The following is an entry in ClinVar:

NM_000237.3(LPL):c.1278C>T (p.Phe426=)

Gene: LPL (lipoprotein lipase; plus strand). Cytogenetic location: 8p21.3.
Variant type: single nucleotide variant.
Coding change: c.1278C>T on transcript NM_000237.3 (MANE Select); coding-DNA position 1278, C replaced by T.
Protein change: p.Phe426=; no amino-acid change (phenylalanine 426 retained).
Molecular consequence: synonymous variant.
Genome position (GRCh38, 1-based): chr8:19,961,039, C>T. VCF-style: chr8-19961039-C-T. GRCh37 (hg19) VCF-style: chr8-19818550-C-T.
Identifiers: ClinVar variation 1555952 (VCV001555952.12), dbSNP rs771051928, ClinGen allele CA4655687.
Genomic context (GRCh38, chr8:19,961,039, plus strand): 5'-GCTCAAATGGAAGAGTGATTCATACTTTAGCTGGTCAGACTGGTGGAGCAGTCCCGGCTT[C>T]GCCATTCAGAAGATCAGAGTAAAAGCAGGAGAGACTCAGAAAAAGTAATTAAATGTATTT-3'
Protein context (NP_000228.1, residues 416-436): SWSDWWSSPG[Phe426=]AIQKIRVKAG

ClinVar aggregate classification (germline): Likely benign. Review status: criteria provided, multiple submitters, no conflicts (2 of 4 stars). 3 submissions from 3 submitters: Likely benign (2). 1 of the submissions does not count toward it. Last evaluated 2024-02-17.

Conditions:
LPL-related disorder. Also called: LPL-related condition.
Cardiovascular phenotype. Identifiers: MedGen CN230736.

Allele frequency attached by ClinVar (database versions not stated): gnomAD exomes 0.00001 and 0.00002; ExAC 0.00002; gnomAD 0.00003 and 0.00004.
gnomAD v4.1: 31 of 1,613,966 alleles (0.0019%); highest among the groups gnomAD compares: African/African-American, 0.0053%; no homozygotes.

Submissions (3):

Labcorp Genetics (formerly Invitae), Labcorp
Classification: Likely benign. Last evaluated: 2024-02-17. Review status: criteria provided, single submitter. Criteria: Invitae Variant Classification Sherloc (09022015). Collection method: clinical testing. Allele origin: germline.

Ambry Genetics
Classification: Likely benign for Cardiovascular phenotype. Last evaluated: 2020-06-29. Review status: criteria provided, single submitter. Criteria: Ambry Variant Classification Scheme 2023. Collection method: clinical testing. Allele origin: germline.

PreventionGenetics, part of Exact Sciences
Classification: Likely benign for LPL-related condition. Last evaluated: 2019-02-20. Review status: no assertion criteria provided. Collection method: clinical testing. Allele origin: germline. Not counted in ClinVar's aggregate classification.
Comment: This variant is classified as likely benign based on ACMG/AMP sequence variant interpretation guidelines (Richards et al. 2015 PMID: 25741868, with internal and published modifications).